The following is an entry in ClinVar:

NM_206933.4(USH2A):c.10417G>C (p.Glu3473Gln)

Gene: USH2A (usherin; minus strand). Cytogenetic location: 1q41.
Variant type: single nucleotide variant.
Coding change: c.10417G>C on transcript NM_206933.4 (MANE Select); coding-DNA position 10417, G replaced by C.
Protein change: p.Glu3473Gln; replaces glutamic acid 3473 with glutamine.
Molecular consequence: missense variant.
Genome position (GRCh38, 1-based): chr1:215,782,906, C>G on the plus strand (G>C on the coding strand, the complement: USH2A is on the minus strand). VCF-style: chr1-215782906-C-G. GRCh37 (hg19) VCF-style: chr1-215956248-C-G.
Other names: short protein forms E3473Q.
Identifiers: ClinVar variation 1004536 (VCV001004536.9), dbSNP rs778879348, ClinGen allele CA344838118.

ClinVar aggregate classification (germline): Uncertain significance (1 of 4 stars; one submission).

Submission:

Labcorp Genetics (formerly Invitae), Labcorp
Classification: Uncertain significance. Last evaluated: 2020-02-05. Review status: criteria provided, single submitter. Criteria: Invitae Variant Classification Sherloc (09022015). Collection method: clinical testing. Allele origin: germline.
Comment: In summary, the available evidence is currently insufficient to determine the role of this variant in disease. Therefore, it has been classified as a Variant of Uncertain Significance. Algorithms developed to predict the effect of missense changes on protein structure and function (SIFT, PolyPhen-2, Align-GVGD) all suggest that this variant is likely to be disruptive, but these predictions have not been confirmed by published functional studies and their clinical significance is uncertain. This variant has not been reported in the literature in individuals with USH2A-related conditions. This variant is not present in population databases (ExAC no frequency). This sequence change replaces glutamic acid with glutamine at codon 3473 of the USH2A protein (p.Glu3473Gln). The glutamic acid residue is highly conserved and there is a small physicochemical difference between glutamic acid and glutamine.